The following is an entry in ClinVar:

NM_001267550.2(TTN):c.15531G>T (p.Leu5177Phe)

Gene: TTN (titin; minus strand). Cytogenetic location: 2q31.2.
Variant type: single nucleotide variant.
Coding change: c.15531G>T on transcript NM_001267550.2 (MANE Select); coding-DNA position 15531, G replaced by T.
Protein change: p.Leu5177Phe; replaces leucine 5177 with phenylalanine.
Molecular consequence: missense variant. On other transcripts: intron variant (3).
Genome position (GRCh38, 1-based): chr2:178,733,858, C>A on the plus strand (G>T on the coding strand, the complement: TTN is on the minus strand). VCF-style: chr2-178733858-C-A. GRCh37 (hg19) VCF-style: chr2-179598585-C-A.
Other names: c.14580G>T, p.Leu4860Phe (NM_001256850.1); c.11799G>T, p.Leu3933Phe (NM_133378.4); c.13282+4224G>T (NM_003319.4); c.13858+4224G>T (NM_133437.4); c.13657+4224G>T (NM_133432.3); short protein forms L3933F, L4860F, L5177F.
Identifiers: ClinVar variation 1314156 (VCV001314156.2), dbSNP rs2154311686, ClinGen allele CA349593232.

ClinVar aggregate classification (germline): Uncertain significance (1 of 4 stars; one submission).

Submission:

GeneDx
Classification: Uncertain significance. Last evaluated: 2021-03-02. Review status: criteria provided, single submitter. Criteria: GeneDx Variant Classification Process June 2021. Collection method: clinical testing. Allele origin: germline. Affected: yes.
Comment: Not observed in large population cohorts (Lek et al., 2016); Missense variant in a gene in which most reported pathogenic variants are truncating/loss-of-function; Has not been previously published as pathogenic or benign to our knowledge